The following is an entry in ClinVar:

NM_001010892.3(RSPH4A):c.759A>G (p.Glu253=)

Gene: RSPH4A (radial spoke head component 4A; plus strand). Cytogenetic location: 6q22.1.
Variant type: single nucleotide variant.
Coding change: c.759A>G on transcript NM_001010892.3 (MANE Select); coding-DNA position 759, A replaced by G.
Protein change: p.Glu253=; no amino-acid change (glutamic acid 253 retained).
Molecular consequence: synonymous variant.
Genome position (GRCh38, 1-based): chr6:116,622,840, A>G. VCF-style: chr6-116622840-A-G. GRCh37 (hg19) VCF-style: chr6-116944003-A-G.
Other names: c.759A>G, p.Glu253= (NM_001161664.2).
Identifiers: ClinVar variation 2656866 (VCV002656866.24), dbSNP rs1247436211, ClinGen allele CA451620702.

ClinVar aggregate classification (germline): Likely benign (1 of 4 stars; one submission).

Allele frequency attached by ClinVar (database versions not stated): gnomAD exomes below 0.00001.
gnomAD v4.1: 3 of 1,613,536 alleles (0.00019%); highest among the groups gnomAD compares: Non-Finnish European, 0.00017%; no homozygotes.

Submission:

CeGaT Center for Human Genetics Tuebingen
Classification: Likely benign. Last evaluated: 2023-08-01. Review status: criteria provided, single submitter. Criteria: CeGaT Center For Human Genetics Tuebingen Variant Classification Criteria Version 2. Collection method: clinical testing. Allele origin: germline. Affected: yes. Observed: 1 variant allele.
Comment: RSPH4A: BP4, BP7